The following is an entry in ClinVar:

ClinVar aggregate classification (germline): Pathogenic (1 of 4 stars; one submission).

Conditions:
Familial melanoma. Also called: Hereditary melanoma; Hereditary cutaneous melanoma. Identifiers: Orphanet 618, MedGen C1512419, MONDO:0018961.

Submission:

Labcorp Genetics (formerly Invitae), Labcorp
Classification: Pathogenic for Familial melanoma. Last evaluated: 2024-05-21. Review status: criteria provided, single submitter. Criteria: Invitae Variant Classification Sherloc (09022015). Collection method: clinical testing. Allele origin: germline.
Comment: The CDKN2A gene encodes two different proteins, p16INK4a and p14ARF, which are translated from alternative transcripts with different open reading frames. Both transcripts have been analyzed. We report either the variant with the higher classification or default to the CDKN2A (p16INK4a) variant. This report therefore includes the details for the CDKN2A (p16INK4a) variant. This sequence change creates a premature translational stop signal (p.Val96Alafs*22) in the CDKN2A (p16INK4a) gene. It is expected to result in an absent or disrupted protein product. Loss-of-function variants in CDKN2A (p16INK4a) are known to be pathogenic (PMID: 15146471, 16905682). This variant is not present in population databases (gnomAD no frequency). This variant has not been reported in the literature in individuals affected with CDKN2A (p16INK4a)-related conditions. This variant is also known as c.330_334del (p.Ala111Thrfs*48) in the CDKN2A (p14ARF) transcript. ClinVar contains an entry for this variant (Variation ID: 2000623). For these reasons, this variant has been classified as Pathogenic. While the evidence indicates that this variant confers risk of developing CDKN2A (p16INK4a)-associated conditions, its association with risk for developing CDKN2A (p14ARF)-associated conditions is still unclear.

Literature cited by the submitters: PubMed 15146471; PubMed 16905682.

NM_000077.5(CDKN2A):c.287_291del (p.Val96fs)

Gene: CDKN2A (cyclin dependent kinase inhibitor 2A; minus strand). Cytogenetic location: 9p21.3.
Variant type: Deletion.
Coding change: c.287_291del on transcript NM_000077.5; coding-DNA positions 287 to 291, 5 bases deleted (TGCTG; older notation c.287_291delTGCTG).
Protein change: p.Val96fs; shifts the reading frame from valine 96.
Molecular consequence: frameshift variant (on NM_000077.6). On other transcripts: 3 prime UTR variant (1).
Genome position (GRCh38, 1-based): chr9:21,971,068-21,971,072, CAGCA deleted on the plus strand (TGCTG on the coding strand, the reverse complement: CDKN2A is on the minus strand); deleting any 5 consecutive bases within chr9:21,971,068-21,971,073 gives the same sequence; the c. name uses the placement nearest the transcript's 3' end. VCF-style (leftmost placement, unchanged base first): chr9-21971067-GCAGCA-G. GRCh37 (hg19) VCF-style: chr9-21971066-GCAGCA-G.
Other names: c.286_290delGTGCT, p.Val96Alafs (NM_000077.6); c.287_291del, p.Val96fs (NM_001195132.2); c.134_138del, p.Val45fs (NM_001363763.2); c.330_334del, p.Ala111fs (NM_058195.4); c.*210_*214del (NM_058197.5); short protein forms V96fs, V45fs, A111fs.
Identifiers: ClinVar variation 2000623 (VCV002000623.4), dbSNP rs2489275051, ClinGen allele CA2580080318.